The following is an entry in ClinVar:

ClinVar aggregate classification (germline): Uncertain significance (1 of 4 stars; one submission).

Conditions:
Bardet-Biedl syndrome 3 (BBS3). Identifiers: Orphanet 110, MedGen C1859564, MONDO:0010832, OMIM 600151.
Retinitis pigmentosa 55 (RP55). Identifiers: Orphanet 791, MedGen C3150808, MONDO:0013312, OMIM 613575.

Allele frequency attached by ClinVar (database versions not stated): TOPMed 0.00001.

Submission:

Labcorp Genetics (formerly Invitae), Labcorp
Classification: Uncertain significance for Retinitis pigmentosa 55; Bardet-Biedl syndrome 3. Last evaluated: 2020-08-26. Review status: criteria provided, single submitter. Criteria: Invitae Variant Classification Sherloc (09022015). Collection method: clinical testing. Allele origin: germline.
Comment: In summary, the available evidence is currently insufficient to determine the role of this variant in disease. Therefore, it has been classified as a Variant of Uncertain Significance. Nucleotide substitutions within the consensus splice site are a relatively common cause of aberrant splicing (PMID: 17576681, 9536098). Algorithms developed to predict the effect of sequence changes on RNA splicing suggest that this variant is not likely to affect RNA splicing, but this prediction has not been confirmed by published transcriptional studies. This variant has not been reported in the literature in individuals with ARL6-related conditions. This variant is not present in population databases (ExAC no frequency). This sequence change falls in intron 6 of the ARL6 gene. It does not directly change the encoded amino acid sequence of the ARL6 protein, but it affects a nucleotide within the consensus splice site of the intron.

Literature cited by the submitters: PubMed 17576681; PubMed 9536098.

NM_001278293.3(ARL6):c.349+4T>C

Gene: ARL6 (ARF like GTPase 6; plus strand). Cytogenetic location: 3q11.2.
Variant type: single nucleotide variant.
Coding change: c.349+4T>C on transcript NM_001278293.3 (MANE Select); 4 bases into the intron after coding-DNA position 349, T replaced by C.
Molecular consequence: intron variant.
Genome position (GRCh38, 1-based): chr3:97,785,053, T>C. VCF-style: chr3-97785053-T-C. GRCh37 (hg19) VCF-style: chr3-97503897-T-C.
Other names: c.349+4T>C (NM_032146.5, NM_177976.3, NM_001323513.2 and 1 more transcripts).
Identifiers: ClinVar variation 1006892 (VCV001006892.3), dbSNP rs1214919112, ClinGen allele CA784099738.